The following is an entry in ClinVar:

NC_000001.11:g.(?_161314368)_(161362518_?)dup

Gene: SDHC (succinate dehydrogenase complex subunit C; plus strand). Cytogenetic location: 1q23.3.
Variant type: Duplication.
Identifiers: ClinVar variation 831445 (VCV000831445.14).

ClinVar aggregate classification (germline): Uncertain significance (1 of 4 stars; one submission).

Conditions:
Pheochromocytoma/paraganglioma syndrome 3. Also called: GLOMUS TUMORS, FAMILIAL, 3; Paragangliomas 3; SDHC-Related Hereditary Paraganglioma-Pheochromocytoma Syndrome (Paragangliomas 3); SDHC-Related Hereditary Paraganglioma-Pheochromocytoma Syndrome. Identifiers: Orphanet 29072, MedGen C1854336, MONDO:0011544, OMIM 605373.
Gastrointestinal stromal tumor. Also called: Gastrointestinal stromal tumor, somatic; Gastrointestinal stroma tumor. Identifiers: Orphanet 44890, MedGen C0238198, MeSH D046152, MONDO:0011719, OMIM 606764, HP:0100723.

Submission:

Labcorp Genetics (formerly Invitae), Labcorp
Classification: Uncertain significance for Pheochromocytoma/paraganglioma syndrome 3; Gastrointestinal stromal tumor. Last evaluated: 2022-10-25. Review status: criteria provided, single submitter. Criteria: Invitae Variant Classification Sherloc (09022015). Collection method: clinical testing. Allele origin: germline.
Comment: A copy number gain of the genomic region encompassing the full coding sequence of the SDHC gene has been identified. The boundaries of this event are unknown as they extend beyond the assayed region for this gene and therefore may encompass additional genes. As the precise location of this event is unknown, it may be in tandem or it may be located elsewhere in the genome. This variant has not been reported in the literature in individuals affected with SDHC-related conditions. Experimental studies and prediction algorithms are not available or were not evaluated, and the functional significance of this variant is currently unknown. In summary, the available evidence is currently insufficient to determine the role of this variant in disease. Therefore, it has been classified as a Variant of Uncertain Significance.